The following is an entry in ClinVar:

ClinVar aggregate classification (germline): Uncertain significance (1 of 4 stars; one submission).

Conditions:
Ataxia-telangiectasia syndrome (AT). Also called: ATAXIA-TELANGIECTASIA, COMPLEMENTATION GROUP A; ATAXIA-TELANGIECTASIA, FRESNO VARIANT; Ataxia-telangiectasia; Ataxia-telangiectasia, complementation group E; LOUIS-BAR SYNDROME; Cerebello-oculocutaneous telangiectasia. Identifiers: Orphanet 100, MedGen C0004135, MONDO:0008840, OMIM 208900.

Submission:

Labcorp Genetics (formerly Invitae), Labcorp
Classification: Uncertain significance for Ataxia-telangiectasia syndrome. Last evaluated: 2022-04-12. Review status: criteria provided, single submitter. Criteria: Invitae Variant Classification Sherloc (09022015). Collection method: clinical testing. Allele origin: germline.
Comment: This variant has not been reported in the literature in individuals affected with ATM-related conditions. This sequence change replaces asparagine, which is neutral and polar, with tyrosine, which is neutral and polar, at codon 2472 of the ATM protein (p.Asn2472Tyr). This variant is not present in population databases (gnomAD no frequency). Advanced modeling of protein sequence and biophysical properties (such as structural, functional, and spatial information, amino acid conservation, physicochemical variation, residue mobility, and thermodynamic stability) performed at Invitae indicates that this missense variant is not expected to disrupt ATM protein function. In summary, the available evidence is currently insufficient to determine the role of this variant in disease. Therefore, it has been classified as a Variant of Uncertain Significance.

NM_000051.4(ATM):c.7414A>T (p.Asn2472Tyr)

Genes: ATM (ATM serine/threonine kinase; plus strand), C11orf65 (chromosome 11 open reading frame 65; minus strand). Cytogenetic location: 11q22.3.
Variant type: single nucleotide variant.
Coding change: c.7414A>T on transcript NM_000051.4 (MANE Select); coding-DNA position 7414, A replaced by T.
Protein change: p.Asn2472Tyr; replaces asparagine 2472 with tyrosine.
Molecular consequence: missense variant. On other transcripts: intron variant (2).
Genome position (GRCh38, 1-based): chr11:108,330,320, A>T. VCF-style: chr11-108330320-A-T. GRCh37 (hg19) VCF-style: chr11-108201047-A-T.
Other names: c.7414A>T, p.Asn2472Tyr (NM_001351834.2); c.641-21249T>A (NM_001330368.2); c.*38+4900T>A (NM_001351110.2); short protein forms N2472Y.
Identifiers: ClinVar variation 2125342 (VCV002125342.4), dbSNP rs1591160721, ClinGen allele CA382560170.